The following is an entry in ClinVar:

NM_001267550.2(TTN):c.20719del (p.Glu6907fs)

Gene: TTN (titin; minus strand). Cytogenetic location: 2q31.2.
Variant type: Deletion.
Coding change: c.20719del on transcript NM_001267550.2 (MANE Select); coding-DNA position 20719, one base deleted (G; older notation c.20719delG).
Protein change: p.Glu6907fs; shifts the reading frame from glutamic acid 6907.
Molecular consequence: frameshift variant. On other transcripts: intron variant (3).
Genome position (GRCh38, 1-based): chr2:178,725,485, C deleted on the plus strand (G on the coding strand, the reverse complement: TTN is on the minus strand); the first of 2 consecutive C bases (chr2:178,725,485-178,725,486); deleting either gives the same sequence. VCF-style (leftmost placement, unchanged base first): chr2-178725484-TC-T. GRCh37 (hg19) VCF-style: chr2-179590211-TC-T.
Other names: c.19768del, p.Glu6590fs (NM_001256850.1); c.16987del, p.Glu5663fs (NM_133378.4); c.13282+12597del (NM_003319.4); c.13858+12597del (NM_133437.4); c.13657+12597del (NM_133432.3); short protein forms E5663fs, E6590fs, E6907fs.
Identifiers: ClinVar variation 2951470 (VCV002951470.3), dbSNP rs2529690772, ClinGen allele CA2740095930.

ClinVar aggregate classification (germline): Likely pathogenic (1 of 4 stars; one submission).

Conditions:
Dilated cardiomyopathy 1G (CMD1G). Identifiers: Orphanet 154, MedGen C1858763, MONDO:0011400, OMIM 604145.
Autosomal recessive limb-girdle muscular dystrophy type 2J (LGMDR10). Also called: Limb-girdle muscular dystrophy, type 2J; MUSCULAR DYSTROPHY, LIMB-GIRDLE, AUTOSOMAL RECESSIVE 10. Identifiers: Orphanet 140922, MedGen C1837342, MONDO:0012127, OMIM 608807.

Submission:

Labcorp Genetics (formerly Invitae), Labcorp
Classification: Likely pathogenic for Dilated cardiomyopathy 1G; Autosomal recessive limb-girdle muscular dystrophy type 2J. Last evaluated: 2024-10-18. Review status: criteria provided, single submitter. Criteria: Invitae Variant Classification Sherloc (09022015). Collection method: clinical testing. Allele origin: germline.
Comment: This sequence change creates a premature translational stop signal (p.Glu6907Lysfs*29) in the TTN gene. While this is not anticipated to result in nonsense mediated decay, it is expected to create a truncated TTN protein. This variant is not present in population databases (gnomAD no frequency). This variant has not been reported in the literature in individuals affected with TTN-related conditions. This variant is located in the I band of TTN (PMID: 25589632). Truncating variants in this region have been reported in individuals affected with autosomal recessive centronuclear myopathy (PMID: 23975875, internal data). Truncating variants in this region have also been identified in individuals affected with autosomal dominant dilated cardiomyopathy and/or cardio-related conditions (PMID: 27869827, 32964742, internal data). In summary, the currently available evidence indicates that the variant is pathogenic, but additional data are needed to prove that conclusively. Therefore, this variant has been classified as Likely Pathogenic.

Literature cited by the submitters: PubMed 25589632; PubMed 23975875; PubMed 27869827; PubMed 32964742.